The following is an entry in ClinVar:

NM_006059.4(LAMC3):c.3769G>A (p.Gly1257Arg)

Gene: LAMC3 (laminin subunit gamma 3; plus strand). Cytogenetic location: 9q34.12.
Variant type: single nucleotide variant.
Coding change: c.3769G>A on transcript NM_006059.4 (MANE Select); coding-DNA position 3769, G replaced by A.
Protein change: p.Gly1257Arg; replaces glycine 1257 with arginine.
Molecular consequence: missense variant.
Genome position (GRCh38, 1-based): chr9:131,077,326, G>A. VCF-style: chr9-131077326-G-A. GRCh37 (hg19) VCF-style: chr9-133952713-G-A.
Other names: short protein forms G1257R.
Identifiers: ClinVar variation 1393431 (VCV001393431.7), dbSNP rs1830147998, ClinGen allele CA375261678.

ClinVar aggregate classification (germline): Uncertain significance (1 of 4 stars; one submission).

Allele frequency attached by ClinVar (database versions not stated): TOPMed 0.00001.

Submission:

Labcorp Genetics (formerly Invitae), Labcorp
Classification: Uncertain significance. Last evaluated: 2022-11-22. Review status: criteria provided, single submitter. Criteria: Invitae Variant Classification Sherloc (09022015). Collection method: clinical testing. Allele origin: germline.
Comment: This variant is not present in population databases (gnomAD no frequency). This sequence change replaces glycine, which is neutral and non-polar, with arginine, which is basic and polar, at codon 1257 of the LAMC3 protein (p.Gly1257Arg). This variant has not been reported in the literature in individuals affected with LAMC3-related conditions. In summary, the available evidence is currently insufficient to determine the role of this variant in disease. Therefore, it has been classified as a Variant of Uncertain Significance. Algorithms developed to predict the effect of missense changes on protein structure and function (SIFT, PolyPhen-2, Align-GVGD) all suggest that this variant is likely to be tolerated. ClinVar contains an entry for this variant (Variation ID: 1393431).